The following is an entry in ClinVar:

ClinVar aggregate classification (germline): Uncertain significance (1 of 4 stars; one submission).

gnomAD v4.1: 2 of 1,613,488 alleles (0.00012%); highest among the groups gnomAD compares: Non-Finnish European, 0.00017%; no homozygotes.

Submission:

Labcorp Genetics (formerly Invitae), Labcorp
Classification: Uncertain significance. Last evaluated: 2023-08-19. Review status: criteria provided, single submitter. Criteria: Invitae Variant Classification Sherloc (09022015). Collection method: clinical testing. Allele origin: germline.
Comment: This sequence change replaces arginine, which is basic and polar, with glycine, which is neutral and non-polar, at codon 991 of the ZMIZ1 protein (p.Arg991Gly). This variant is not present in population databases (gnomAD no frequency). This variant has not been reported in the literature in individuals affected with ZMIZ1-related conditions. An algorithm developed to predict the effect of missense changes on protein structure and function (PolyPhen-2) suggests that this variant is likely to be tolerated. In summary, the available evidence is currently insufficient to determine the role of this variant in disease. Therefore, it has been classified as a Variant of Uncertain Significance.

NM_020338.4(ZMIZ1):c.2971C>G (p.Arg991Gly)

Gene: ZMIZ1 (zinc finger MIZ-type containing 1; plus strand). Cytogenetic location: 10q22.3.
Variant type: single nucleotide variant.
Coding change: c.2971C>G on transcript NM_020338.4 (MANE Select); coding-DNA position 2971, C replaced by G.
Protein change: p.Arg991Gly; replaces arginine 991 with glycine.
Molecular consequence: missense variant.
Genome position (GRCh38, 1-based): chr10:79,311,059, C>G. VCF-style: chr10-79311059-C-G. GRCh37 (hg19) VCF-style: chr10-81070816-C-G.
Other names: short protein forms R991G.
Identifiers: ClinVar variation 2784394 (VCV002784394.3), dbSNP rs755161193, ClinGen allele CA377344564.